The following is an entry in ClinVar:

ClinVar aggregate classification (germline): Uncertain significance (1 of 4 stars; one submission).

Conditions:
Townes-Brocks syndrome 1 (TBS1). Also called: DEAFNESS, SENSORINEURAL, WITH IMPERFORATE ANUS AND THUMB ANOMALIES; REAR SYNDROME; RENAL-EAR-ANAL-RADIAL SYNDROME; SALL1-Related Townes-Brocks Syndrome. Identifiers: Orphanet 857, MedGen C4551481, MONDO:0054581, OMIM 107480.

Allele frequency attached by ClinVar (database versions not stated): gnomAD exomes below 0.00001.

Submission:

MVZ Medizinische Genetik Mainz
Classification: Uncertain significance for Townes-Brocks syndrome 1. Last evaluated: 2024-01-30. Review status: criteria provided, single submitter. Criteria: UK Practice Guidelines For Variant Classification V4 01 2020. Collection method: clinical testing. Allele origin: germline. Inheritance: Autosomal dominant inheritance. Affected: yes. Observed: 1 variant allele.
Comment: ACMG Criteria: PM2_SUP

NM_002968.3(SALL1):c.3278T>G (p.Val1093Gly)

Gene: SALL1 (spalt like transcription factor 1; minus strand). Cytogenetic location: 16q12.1.
Variant type: single nucleotide variant.
Coding change: c.3278T>G on transcript NM_002968.3 (MANE Select); coding-DNA position 3278, T replaced by G.
Protein change: p.Val1093Gly; replaces valine 1093 with glycine.
Molecular consequence: missense variant.
Genome position (GRCh38, 1-based): chr16:51,138,944, A>C on the plus strand (T>G on the coding strand, the complement: SALL1 is on the minus strand). VCF-style: chr16-51138944-A-C. GRCh37 (hg19) VCF-style: chr16-51172855-A-C.
Other names: c.2987T>G, p.Val996Gly (NM_001127892.2); short protein forms V1093G, V996G.
Identifiers: ClinVar variation 3068371 (VCV003068371.1), dbSNP rs939826568, ClinGen allele CA281300707.